The following is an entry in ClinVar:

ClinVar aggregate classification (germline): Uncertain significance. Review status: criteria provided, multiple submitters, no conflicts (2 of 4 stars). 2 submissions from 2 submitters: Uncertain significance (2). Last evaluated 2025-06-03.

Conditions:
Hereditary cancer-predisposing syndrome. Also called: Neoplastic Syndromes, Hereditary; Hereditary Cancer Syndrome; Hereditary neoplastic syndrome; Tumor predisposition. Identifiers: Orphanet 140162, MedGen C0027672, MeSH D009386, MONDO:0015356.
Familial cancer of breast. Also called: Hereditary breast cancer; BREAST CANCER, FAMILIAL; hereditary breast carcinoma. Identifiers: Orphanet 227535, MedGen C0346153, MONDO:0016419, OMIM 114480. Disease mechanism: loss of function.

Submissions (2):

Ambry Genetics
Classification: Uncertain significance for Hereditary cancer-predisposing syndrome. Last evaluated: 2025-06-03. Review status: criteria provided, single submitter. Criteria: Ambry Variant Classification Scheme 2023. Collection method: clinical testing. Allele origin: germline.
Comment: The p.R112G variant (also known as c.334C>G), located in coding exon 3 of the BARD1 gene, results from a C to G substitution at nucleotide position 334. The arginine at codon 112 is replaced by glycine, an amino acid with dissimilar properties. This amino acid position is not well conserved in available vertebrate species. In addition, the in silico prediction for this alteration is inconclusive. Based on the available evidence, the clinical significance of this variant remains unclear.

Labcorp Genetics (formerly Invitae), Labcorp
Classification: Uncertain significance for Familial cancer of breast. Last evaluated: 2023-09-10. Review status: criteria provided, single submitter. Criteria: Invitae Variant Classification Sherloc (09022015). Collection method: clinical testing. Allele origin: germline.
Comment: In summary, the available evidence is currently insufficient to determine the role of this variant in disease. Therefore, it has been classified as a Variant of Uncertain Significance. An algorithm developed to predict the effect of missense changes on protein structure and function (PolyPhen-2) suggests that this variant is likely to be disruptive. This variant has not been reported in the literature in individuals affected with BARD1-related conditions. This variant is not present in population databases (gnomAD no frequency). This sequence change replaces arginine, which is basic and polar, with glycine, which is neutral and non-polar, at codon 112 of the BARD1 protein (p.Arg112Gly).

NM_000465.4(BARD1):c.334C>G (p.Arg112Gly)

Gene: BARD1 (BRCA1 associated RING domain 1; minus strand). Cytogenetic location: 2q35.
Variant type: single nucleotide variant.
Coding change: c.334C>G on transcript NM_000465.4 (MANE Select); coding-DNA position 334, C replaced by G.
Protein change: p.Arg112Gly; replaces arginine 112 with glycine.
Molecular consequence: missense variant. On other transcripts: non-coding transcript variant (1), intron variant (2).
Genome position (GRCh38, 1-based): chr2:214,792,327, G>C on the plus strand (C>G on the coding strand, the complement: BARD1 is on the minus strand). VCF-style: chr2-214792327-G-C. GRCh37 (hg19) VCF-style: chr2-215657051-G-C.
Other names: c.334C>G (NM_000465.2); c.277C>G, p.Arg93Gly (NM_001282543.2); c.334C>G, p.Arg112Gly (NM_001282549.2); c.158+17085C>G (NM_001282548.2); c.215+4734C>G (NM_001282545.2); short protein forms R93G, R112G.
Identifiers: ClinVar variation 2759995 (VCV002759995.4), dbSNP rs758972589, ClinGen allele CA350460843.